The following is an entry in ClinVar:

ClinVar aggregate classification (germline): Uncertain significance (1 of 4 stars; one submission).

gnomAD v4.1: 1 of 1,614,002 alleles (0.000062%); highest among the groups gnomAD compares: Non-Finnish European, 0.000085%; no homozygotes.

Submission:

GeneDx
Classification: Uncertain significance. Last evaluated: 2022-02-22. Review status: criteria provided, single submitter. Criteria: GeneDx Variant Classification Process June 2021. Collection method: clinical testing. Allele origin: germline. Affected: yes.
Comment: Not observed at significant frequency in large population cohorts (gnomAD); In silico analysis supports that this missense variant does not alter protein structure/function; Has not been previously published as pathogenic or benign to our knowledge

NM_001378120.1(MBD5):c.1229C>A (p.Pro410Gln)

Gene: MBD5 (methyl-CpG binding domain protein 5; plus strand). Cytogenetic location: 2q23.1.
Variant type: single nucleotide variant.
Coding change: c.1229C>A on transcript NM_001378120.1 (MANE Select); coding-DNA position 1229, C replaced by A.
Protein change: p.Pro410Gln; replaces proline 410 with glutamine.
Molecular consequence: missense variant.
Genome position (GRCh38, 1-based): chr2:148,469,172, C>A. VCF-style: chr2-148469172-C-A. GRCh37 (hg19) VCF-style: chr2-149226741-C-A.
Other names: c.1229C>A, p.Pro410Gln (NM_018328.5); short protein forms P410Q.
Identifiers: ClinVar variation 1342777 (VCV001342777.2), dbSNP rs2105630503, ClinGen allele CA348719246.